The following is an entry in ClinVar:

ClinVar aggregate classification (germline): Uncertain significance (1 of 4 stars; one submission).

Conditions:
Malignant hyperthermia, susceptibility to, 1 (MHS1). Also called: RYR1-Related Malignant Hyperthermia Susceptibility; Malignant hyperthermia suceptibility 1; Anesthesia related hyperthermia; Malignant hyperpyrexia; Fulminating hyperpyrexia; Pharmacogenic myopathy. Identifiers: Orphanet 423, MedGen C2930980, MONDO:0007783, OMIM 145600.

gnomAD v4.1: 2 of 1,610,094 alleles (0.00012%); highest among the groups gnomAD compares: Non-Finnish European, 0.00017%; no homozygotes.

Submission:

Color Diagnostics, LLC DBA Color Health
Classification: Uncertain significance for Malignant hyperthermia, susceptibility to, 1. Last evaluated: 2025-09-05. Review status: criteria provided, single submitter. Criteria: ACMG Guidelines, 2015. Collection method: clinical testing. Allele origin: germline.
Comment: This missense variant replaces leucine with proline at codon 1656 of the RYR1 protein. Computational prediction suggests that this variant may not impact protein structure and function. To our knowledge, functional studies have not been reported for this variant. This variant has not been reported in individuals affected with RYR1-related disorders in the literature. This variant has not been identified in the general population by the Genome Aggregation Database (gnomAD). The available evidence is insufficient to determine the role of this variant in disease conclusively. Therefore, this variant is classified as a Variant of Uncertain Significance.

NM_000540.3(RYR1):c.4967T>C (p.Leu1656Pro)

Gene: RYR1 (ryanodine receptor 1; plus strand). Cytogenetic location: 19q13.2.
Variant type: single nucleotide variant.
Coding change: c.4967T>C on transcript NM_000540.3 (MANE Select); coding-DNA position 4967, T replaced by C.
Protein change: p.Leu1656Pro; replaces leucine 1656 with proline.
Molecular consequence: missense variant.
Genome position (GRCh38, 1-based): chr19:38,485,622, T>C. VCF-style: chr19-38485622-T-C. GRCh37 (hg19) VCF-style: chr19-38976262-T-C.
Other names: c.4967T>C, p.Leu1656Pro (NM_001042723.2); short protein forms L1656P.
Identifiers: ClinVar variation 4758060 (VCV004758060.1).